The following is an entry in ClinVar:

ClinVar aggregate classification (germline): Benign/Likely benign. Review status: criteria provided, multiple submitters, no conflicts (2 of 4 stars). 2 submissions from 2 submitters: Benign (1); Likely benign (1). Last evaluated 2024-10-29.

Conditions:
Prostate cancer, hereditary, 9 (HPC9). Identifiers: Orphanet 1331, MedGen C1970250, MONDO:0012597, OMIM 610997.

Allele frequency attached by ClinVar (database versions not stated): ExAC 0.00001.
gnomAD v4.1: 1 of 1,613,944 alleles (0.000062%); highest among the groups gnomAD compares: South Asian, 0.0011%; no homozygotes.

Submissions (2):

Myriad Genetics, Inc.
Classification: Benign for Prostate cancer, hereditary, 9. Last evaluated: 2024-10-29. Review status: criteria provided, single submitter. Criteria: Myriad Autosomal Dominant, Autosomal Recessive and X-Linked Classification Criteria (2023). Collection method: clinical testing. Allele origin: unknown.
Comment: This variant is considered benign. This variant is a silent/synonymous amino acid change and it is not expected to impact splicing.

Labcorp Genetics (formerly Invitae), Labcorp
Classification: Likely benign. Last evaluated: 2022-04-22. Review status: criteria provided, single submitter. Criteria: Invitae Variant Classification Sherloc (09022015). Collection method: clinical testing. Allele origin: germline.

NM_006361.6(HOXB13):c.231C>A (p.Pro77=)

Gene: HOXB13 (homeobox B13; minus strand). Cytogenetic location: 17q21.32.
Variant type: single nucleotide variant.
Coding change: c.231C>A on transcript NM_006361.6 (MANE Select); coding-DNA position 231, C replaced by A.
Protein change: p.Pro77=; no amino-acid change (proline 77 retained).
Molecular consequence: synonymous variant.
Genome position (GRCh38, 1-based): chr17:48,728,363, G>T on the plus strand (C>A on the coding strand, the complement: HOXB13 is on the minus strand). VCF-style: chr17-48728363-G-T. GRCh37 (hg19) VCF-style: chr17-46805725-G-T.
Identifiers: ClinVar variation 2129142 (VCV002129142.5), dbSNP rs770545259, ClinGen allele CA8634036.
Genomic context (GRCh38, chr17:48,728,363, plus strand): 5'-CAGCGAGCTCCGGGACACTCGGCAGGAGTAGTACCCGCCTCCAAAGTAACCATAAGGCAC[G>T]GGAGCTGGGGACGTCCCCTGGGGCACCCCAGGGCATGGGTGGCATTGCTTTGGCGGCTCC-3'
Protein context (NP_006352.2, residues 67-87): PGVPQGTSPA[Pro77=]VPYGYFGGGY